The following is an entry in ClinVar:

NM_002291.3(LAMB1):c.2743C>T (p.Arg915Cys)

Gene: LAMB1 (laminin subunit beta 1; minus strand). Cytogenetic location: 7q31.1.
Variant type: single nucleotide variant.
Coding change: c.2743C>T on transcript NM_002291.3 (MANE Select); coding-DNA position 2743, C replaced by T.
Protein change: p.Arg915Cys; replaces arginine 915 with cysteine.
Molecular consequence: missense variant.
Genome position (GRCh38, 1-based): chr7:107,955,578, G>A on the plus strand (C>T on the coding strand, the complement: LAMB1 is on the minus strand). VCF-style: chr7-107955578-G-A. GRCh37 (hg19) VCF-style: chr7-107596023-G-A.
Other names: short protein forms R915C.
Identifiers: ClinVar variation 1707859 (VCV001707859.6), dbSNP rs745741181, ClinGen allele CA4435536.

ClinVar aggregate classification (germline): Uncertain significance. Review status: criteria provided, multiple submitters, no conflicts (2 of 4 stars). 2 submissions from 2 submitters: Uncertain significance (2). Last evaluated 2025-09-01.

Allele frequency attached by ClinVar (database versions not stated): ExAC 0.00013; TOPMed 0.00014; gnomAD 0.00015.
gnomAD v4.1: 142 of 1,613,948 alleles (0.0088%); highest among the groups gnomAD compares: South Asian, 0.048%; 2 homozygotes.

Submissions (2):

Labcorp Genetics (formerly Invitae), Labcorp
Classification: Uncertain significance. Last evaluated: 2025-09-01. Review status: criteria provided, single submitter. Criteria: Invitae Variant Classification Sherloc (09022015). Collection method: clinical testing. Allele origin: germline.
Comment: This sequence change replaces arginine, which is basic and polar, with cysteine, which is neutral and slightly polar, at codon 915 of the LAMB1 protein (p.Arg915Cys). This variant is present in population databases (rs745741181, gnomAD 0.06%), including at least one homozygous and/or hemizygous individual. This variant has not been reported in the literature in individuals affected with LAMB1-related conditions. ClinVar contains an entry for this variant (Variation ID: 1707859). An algorithm developed to predict the effect of missense changes on protein structure and function (PolyPhen-2) suggests that this variant is likely to be disruptive. In summary, the available evidence is currently insufficient to determine the role of this variant in disease. Therefore, it has been classified as a Variant of Uncertain Significance.

GeneDx
Classification: Uncertain significance. Last evaluated: 2024-12-05. Review status: criteria provided, single submitter. Criteria: GeneDx Variant Classification Process June 2021. Collection method: clinical testing. Allele origin: germline.
Comment: In silico analysis supports that this missense variant has a deleterious effect on protein structure/function; Has not been previously published as pathogenic or benign to our knowledge; This variant is associated with the following publications: (PMID: 23472759)